The following is an entry in ClinVar:

NM_000169.3(GLA):c.275A>T (p.Asp92Val)

Genes: GLA (galactosidase alpha; minus strand), RPL36A-HNRNPH2 (RPL36A-HNRNPH2 readthrough; plus strand). Cytogenetic location: Xq22.1.
Variant type: single nucleotide variant.
Coding change: c.275A>T on transcript NM_000169.3 (MANE Select); coding-DNA position 275, A replaced by T.
Protein change: p.Asp92Val; replaces aspartic acid 92 with valine.
Molecular consequence: missense variant. On other transcripts: non-coding transcript variant (3), intron variant (2).
Genome position (GRCh38, 1-based): chrX:101,403,905, T>A on the plus strand (A>T on the coding strand, the complement: GLA is on the minus strand). VCF-style: chrX-101403905-T-A. GRCh37 (hg19) VCF-style: chrX-100658893-T-A.
Other names: c.398A>T, p.Asp133Val (NM_001406747.1, NM_001406749.1); c.275A>T, p.Asp92Val (NM_001406748.1); c.301-8031T>A (NM_001199973.2); c.178-8031T>A (NM_001199974.2); short protein forms D133V, D92V.
Identifiers: ClinVar variation 3724333 (VCV003724333.4).

ClinVar aggregate classification (germline): Pathogenic/Likely pathogenic. Review status: criteria provided, multiple submitters, no conflicts (2 of 4 stars). 2 submissions from 2 submitters: Pathogenic (1); Likely pathogenic (1). Last evaluated 2026-09-08.

Conditions:
Fabry disease. Also called: ALPHA-GALACTOSIDASE A DEFICIENCY; Fabry's disease; Ceramide trihexosidosis; Angiokeratoma corporis diffusum; ANDERSON-FABRY DISEASE; CERAMIDE TRIHEXOSIDASE DEFICIENCY. Identifiers: Orphanet 324, MedGen C0002986, MONDO:0010526, OMIM 301500, HP:0001071. Disease mechanism: loss of function, Fabry disease is due to inactivating mutations in the X-linked GLA gene resulting in deficiency of the enzyme Alpha Galactosidase-A..

Submissions (2):

Genomenon, Inc
Classification: Pathogenic for Fabry disease. Last evaluated: 2026-09-08. Review status: criteria provided, single submitter. Criteria: Genomenon Sequence Variant Interpretation Standards - Updated. Collection method: curation. Allele origin: germline. Affected: yes.
Comment: GLA p.Asp92Val (c.275A>T) is a missense variant that changes the amino acid at codon 92 from Aspartic acid to Valine. This variant has been observed in at least one proband with clinical features consistent with Fabry disease (PMID:20367968). At least one functional study has demonstrated a substantial alteration in protein function relative to the wild-type (PMID:27657681). This variant is located in a mutational hotspot and/or important functional domain. It is absent or not present at a significant frequency in gnomAD. In silico models predict that this variant is possibly or probably damaging. In conclusion, we classify GLA p.Asp92Val (c.275A>T) as a pathogenic variant.

Labcorp Genetics (formerly Invitae), Labcorp
Classification: Likely pathogenic for Fabry disease. Last evaluated: 2024-02-18. Review status: criteria provided, single submitter. Criteria: Invitae Variant Classification Sherloc (09022015). Collection method: clinical testing. Allele origin: germline.
Comment: This sequence change replaces aspartic acid, which is acidic and polar, with valine, which is neutral and non-polar, at codon 92 of the GLA protein (p.Asp92Val). This variant is not present in population databases (gnomAD no frequency). This missense change has been observed in individual(s) with Fabry disease (PMID: 20367968). Advanced modeling of protein sequence and biophysical properties (such as structural, functional, and spatial information, amino acid conservation, physicochemical variation, residue mobility, and thermodynamic stability) performed at Invitae indicates that this missense variant is expected to disrupt GLA protein function with a positive predictive value of 80%. This variant disrupts the p.Asp92 amino acid residue in GLA. Other variant(s) that disrupt this residue have been determined to be pathogenic (PMID: 11322659, 21598360; Invitae). This suggests that this residue is clinically significant, and that variants that disrupt this residue are likely to be disease-causing. In summary, the currently available evidence indicates that the variant is pathogenic, but additional data are needed to prove that conclusively. Therefore, this variant has been classified as Likely Pathogenic.

Literature cited by the submitters: PubMed 20367968 (cited by Genomenon, Inc and Labcorp Genetics (formerly Invitae), Labcorp); PubMed 27657681 (cited by Genomenon, Inc); PubMed 11322659 (cited by Labcorp Genetics (formerly Invitae), Labcorp); PubMed 21598360 (cited by Labcorp Genetics (formerly Invitae), Labcorp).